The following is an entry in ClinVar:

NM_206933.4(USH2A):c.849-9C>G

Gene: USH2A (usherin; minus strand). Cytogenetic location: 1q41.
Variant type: single nucleotide variant.
Coding change: c.849-9C>G on transcript NM_206933.4 (MANE Select); 9 bases into the intron before coding-DNA position 849, C replaced by G.
Molecular consequence: intron variant.
Genome position (GRCh38, 1-based): chr1:216,325,608, G>C on the plus strand (C>G on the coding strand, the complement: USH2A is on the minus strand). VCF-style: chr1-216325608-G-C. GRCh37 (hg19) VCF-style: chr1-216498950-G-C.
Other names: c.849-9C>G (NM_007123.6).
Identifiers: ClinVar variation 1923924 (VCV001923924.5), dbSNP rs2037717333, ClinGen allele CA1220653003.

ClinVar aggregate classification (germline): Uncertain significance (1 of 4 stars; one submission).

Allele frequency attached by ClinVar (database versions not stated): gnomAD exomes 0.00001.
gnomAD v4.1: 18 of 1,612,164 alleles (0.0011%); highest among the groups gnomAD compares: Middle Eastern, 0.05%; no homozygotes.

Submission:

Labcorp Genetics (formerly Invitae), Labcorp
Classification: Uncertain significance. Last evaluated: 2023-10-03. Review status: criteria provided, single submitter. Criteria: Invitae Variant Classification Sherloc (09022015). Collection method: clinical testing. Allele origin: germline.
Comment: This sequence change falls in intron 5 of the USH2A gene. It does not directly change the encoded amino acid sequence of the USH2A protein. This variant is not present in population databases (gnomAD no frequency). This variant has not been reported in the literature in individuals affected with USH2A-related conditions. ClinVar contains an entry for this variant (Variation ID: 1923924). Algorithms developed to predict the effect of sequence changes on RNA splicing suggest that this variant may disrupt the consensus splice site. In summary, the available evidence is currently insufficient to determine the role of this variant in disease. Therefore, it has been classified as a Variant of Uncertain Significance.